The following is an entry in ClinVar:

ClinVar aggregate classification (germline): Benign/Likely benign. Review status: criteria provided, multiple submitters, no conflicts (2 of 4 stars). 5 submissions from 5 submitters: Benign (2); Likely benign (3). Last evaluated 2025-12-11.

Allele frequency attached by ClinVar (database versions not stated): gnomAD exomes 0.00023 and 0.00050; ExAC 0.00063; 1000 Genomes Project 30x 0.00172; ESP Exome Variant Server 0.00177; 1000 Genomes Project 0.00200; gnomAD 0.00212 and 0.00229; TOPMed 0.00228.
gnomAD v4.1: 666 of 1,613,426 alleles (0.041%); highest among the groups gnomAD compares: African/African-American, 0.77%; 2 homozygotes.

Submissions (5):

Labcorp Genetics (formerly Invitae), Labcorp
Classification: Benign. Last evaluated: 2025-12-11. Review status: criteria provided, single submitter. Criteria: Invitae Variant Classification Sherloc (09022015). Collection method: clinical testing. Allele origin: germline.

Mayo Clinic Laboratories, Mayo Clinic
Classification: Likely benign. Last evaluated: 2025-05-02. Review status: criteria provided, single submitter. Criteria: ACMG Guidelines, 2015. Collection method: clinical testing. Allele origin: germline. Observed: 1 variant allele.
Comment: BS1, BP4, BP7

Blueprint Genetics
Classification: Likely benign. Last evaluated: 2024-10-22. Review status: criteria provided, single submitter. Criteria: ACMG Guidelines, 2015. Collection method: clinical testing. Allele origin: germline.

CeGaT Center for Human Genetics Tuebingen
Classification: Likely benign. Last evaluated: 2024-09-01. Review status: criteria provided, single submitter. Criteria: CeGaT Center For Human Genetics Tuebingen Variant Classification Criteria Version 2. Collection method: clinical testing. Allele origin: germline. Affected: yes. Observed: 1 variant allele.
Comment: POLR3A: BP4, BP7

Breakthrough Genomics
Classification: Benign. Review status: criteria provided, single submitter. Criteria: ACMG Guidelines, 2015. Collection method: not provided. Allele origin: germline. Inheritance: Autosomal recessive inheritance. Affected: yes.

NM_007055.4(POLR3A):c.1575T>G (p.Thr525=)

Gene: POLR3A (RNA polymerase III subunit A; minus strand). Cytogenetic location: 10q22.3.
Variant type: single nucleotide variant.
Coding change: c.1575T>G on transcript NM_007055.4 (MANE Select); coding-DNA position 1575, T replaced by G.
Protein change: p.Thr525=; no amino-acid change (threonine 525 retained).
Molecular consequence: synonymous variant.
Genome position (GRCh38, 1-based): chr10:78,010,538, A>C on the plus strand (T>G on the coding strand, the complement: POLR3A is on the minus strand). VCF-style: chr10-78010538-A-C. GRCh37 (hg19) VCF-style: chr10-79770296-A-C.
Other names: p.Thr525=.
Identifiers: ClinVar variation 744161 (VCV000744161.25), dbSNP rs138538977, ClinGen allele CA5571394.
Genomic context (GRCh38, chr10:78,010,538, plus strand): 5'-AAAATCCTGAATAGCAGCAATCAGCGGTTCCCCATTCCTCGGGGTTACAAGATTTGCTTT[A>C]GTCTGTAGGAAAAGTAAGCGCAGTCAGTTAGCTGTTCTCGGATGCATGATGCAGCCCAAA-3'
Protein context (NP_008986.2, residues 515-535): AKAEALVLMG[Thr525=]KANLVTPRNG